The following is an entry in ClinVar:

NM_000169.3(GLA):c.1007A>C (p.Asn336Thr)

Genes: GLA (galactosidase alpha; minus strand), RPL36A-HNRNPH2 (RPL36A-HNRNPH2 readthrough; plus strand). Cytogenetic location: Xq22.1.
Variant type: single nucleotide variant.
Coding change: c.1007A>C on transcript NM_000169.3 (MANE Select); coding-DNA position 1007, A replaced by C.
Protein change: p.Asn336Thr; replaces asparagine 336 with threonine.
Molecular consequence: missense variant. On other transcripts: non-coding transcript variant (3), intron variant (2).
Genome position (GRCh38, 1-based): chrX:101,398,092, T>G on the plus strand (A>C on the coding strand, the complement: GLA is on the minus strand). VCF-style: chrX-101398092-T-G. GRCh37 (hg19) VCF-style: chrX-100653080-T-G.
Other names: c.1130A>C, p.Asn377Thr (NM_001406747.1); c.300+2635T>G (NM_001199973.2); c.177+6270T>G (NM_001199974.2); short protein forms N336T, N377T.
Identifiers: ClinVar variation 566012 (VCV000566012.7), dbSNP rs1569302786, ClinGen allele CA413921242.

ClinVar aggregate classification (germline): Uncertain significance. Review status: criteria provided, multiple submitters, no conflicts (2 of 4 stars). 2 submissions from 2 submitters: Uncertain significance (2). Last evaluated 2023-09-18.

Conditions:
Fabry disease. Also called: GLA DEFICIENCY; HEREDITARY DYSTOPIC LIPIDOSIS; Fabry's disease; Angiokeratoma corporis diffusum; ALPHA-GALACTOSIDASE A DEFICIENCY; ANDERSON-FABRY DISEASE. Identifiers: Orphanet 324, MedGen C0002986, MONDO:0010526, OMIM 301500, HP:0001071. Disease mechanism: loss of function, Fabry disease is due to inactivating mutations in the X-linked GLA gene resulting in deficiency of the enzyme Alpha Galactosidase-A..

Submissions (2):

All of Us Research Program, National Institutes of Health
Classification: Uncertain significance for Fabry disease. Last evaluated: 2023-09-18. Review status: criteria provided, single submitter. Criteria: ACMG Guidelines, 2015. Collection method: clinical testing. Allele origin: germline. Inheritance: X-linked inheritance. Observed: 2 variant alleles, 1 homozygote, 1 hemizygote.
Comment: This missense variant replaces asparagine with threonine at codon 336 of the GLA protein. Computational prediction suggests that this variant may not impact protein structure and function (internally defined REVEL score threshold <= 0.5, PMID: 27666373). To our knowledge, functional studies have not been reported for this variant. This variant has not been reported in individuals affected with GLA-related disorders in the literature. This variant has not been identified in the general population by the Genome Aggregation Database (gnomAD). The available evidence is insufficient to determine the role of this variant in disease conclusively. Therefore, this variant is classified as a Variant of Uncertain Significance.

This study involves interpretation of variants in research participants for the purpose of population health screening. Participant phenotype was not available at the time of variant classification. Additional details can be found in publication PMID: 35346344, PMCID: PMC8962531

Labcorp Genetics (formerly Invitae), Labcorp
Classification: Uncertain significance for Fabry disease. Last evaluated: 2021-09-01. Review status: criteria provided, single submitter. Criteria: Invitae Variant Classification Sherloc (09022015). Collection method: clinical testing. Allele origin: germline.
Comment: This sequence change replaces asparagine with threonine at codon 336 of the GLA protein (p.Asn336Thr). The asparagine residue is weakly conserved and there is a small physicochemical difference between asparagine and threonine. This variant is not present in population databases (ExAC no frequency). This variant has not been reported in the literature in individuals affected with GLA-related conditions. Algorithms developed to predict the effect of missense changes on protein structure and function (SIFT, PolyPhen-2, Align-GVGD) all suggest that this variant is likely to be tolerated. In summary, the available evidence is currently insufficient to determine the role of this variant in disease. Therefore, it has been classified as a Variant of Uncertain Significance.